The following is an entry in ClinVar:

NM_017671.5(FERMT1):c.811C>T (p.Arg271Ter)

Gene: FERMT1 (FERM domain containing kindlin 1; minus strand). Cytogenetic location: 20p12.3.
Variant type: single nucleotide variant.
Coding change: c.811C>T on transcript NM_017671.5 (MANE Select); coding-DNA position 811, C replaced by T.
Protein change: p.Arg271Ter; replaces arginine 271 with a stop codon.
Molecular consequence: nonsense.
Genome position (GRCh38, 1-based): chr20:6,107,570, G>A on the plus strand (C>T on the coding strand, the complement: FERMT1 is on the minus strand). VCF-style: chr20-6107570-G-A. GRCh37 (hg19) VCF-style: chr20-6088217-G-A.
Other names: short protein forms R271*.
Identifiers: ClinVar variation 2717 (VCV000002717.17), dbSNP rs121918293, ClinGen allele CA115714.

ClinVar aggregate classification (germline): Pathogenic. Review status: criteria provided, multiple submitters, no conflicts (2 of 4 stars). 8 submissions from 8 submitters: Pathogenic (4). 4 of the submissions do not count toward it. Last evaluated 2025-11-03.

Conditions:
FERMT1-related disorder. Also called: FERMT1-related condition.
Kindler syndrome (KNDLRS). Also called: BULLOUS ACROKERATOTIC POIKILODERMA OF KINDLER AND WEARY; Poikiloderma of Kindler; Congenital bullous poikiloderma; Hereditary acrokeratotic poikiloderma of Weary; POIKILODERMA, CONGENITAL, WITH BULLAE, WEARY TYPE; POIKILODERMA, HEREDITARY ACROKERATOTIC. Identifiers: Orphanet 2908, Orphanet 306539, MedGen C0406557, MONDO:0008260, OMIM 173650.

Allele frequency attached by ClinVar (database versions not stated): gnomAD exomes 0.00002 and 0.00003; ExAC 0.00003; TOPMed 0.00005; gnomAD 0.00006.
gnomAD v4.1: 31 of 1,612,412 alleles (0.0019%); highest among the groups gnomAD compares: African/African-American, 0.0067%; no homozygotes.

Submissions (8):

Labcorp Genetics (formerly Invitae), Labcorp
Classification: Pathogenic. Last evaluated: 2025-11-03. Review status: criteria provided, single submitter. Criteria: Invitae Variant Classification Sherloc (09022015). Collection method: clinical testing. Allele origin: germline.
Comment: This sequence change creates a premature translational stop signal (p.Arg271*) in the FERMT1 gene. It is expected to result in an absent or disrupted protein product. Loss-of-function variants in FERMT1 are known to be pathogenic (PMID: 14962093, 21936020). This variant is present in population databases (rs121918293, gnomAD 0.01%). This premature translational stop signal has been observed in individual(s) with Kindler syndrome (PMID: 12789646, 16702500, 27862150). ClinVar contains an entry for this variant (Variation ID: 2717). For these reasons, this variant has been classified as Pathogenic.

Medical and Scientific Branch, Hong Kong Genome Institute
Classification: Pathogenic for Kindler syndrome. Last evaluated: 2025-10-11. Review status: criteria provided, single submitter. Criteria: ACMG Guidelines, 2015. Collection method: clinical testing. Allele origin: germline. Affected: yes.

PreventionGenetics, part of Exact Sciences
Classification: Pathogenic for FERMT1-related condition. Last evaluated: 2025-10-09. Review status: criteria provided, single submitter. Criteria: ACMG Guidelines, 2015. Collection method: clinical testing. Allele origin: germline.
Comment: The FERMT1 c.811C>T variant is predicted to result in premature protein termination (p.Arg271*). This variant has been reported in the homozygous or compound heterozygous state in many individuals with Kindler syndrome (see, for example: Siegel et al. 2003. PubMed ID: 12789646; Burch et al. 2006. PubMed ID: 16702500; Kantheti et al. 2017. PubMed ID: 27862150). This variant is reported in 0.012% of alleles in individuals of African descent in gnomAD. Nonsense variants in FERMT1 are expected to be pathogenic. This variant is interpreted as pathogenic.

GeneDx
Classification: Pathogenic. Last evaluated: 2025-05-05. Review status: criteria provided, single submitter. Criteria: GeneDx Variant Classification Process June 2021. Collection method: clinical testing. Allele origin: germline. Affected: yes.
Comment: Nonsense variant predicted to result in protein truncation or nonsense mediated decay in a gene for which loss of function is a known mechanism of disease; This variant is associated with the following publications: (PMID: 25525159, 15313809, 27862150, 21936020, 18528435, 24681597, 12789646, 16702500)

Institute of Human Genetics, University of Ulm
Classification: Likely pathogenic for Kindler syndrome. Last evaluated: 2022-07-12. Review status: no assertion criteria provided. Collection method: research. Allele origin: germline. Inheritance: Autosomal recessive inheritance. Affected: yes. Observed: 6 variant alleles, 6 homozygotes. Not counted in ClinVar's aggregate classification.

Department of Genetics, Sultan Qaboos University Hospital
Classification: Pathogenic for Kindler syndrome. Last evaluated: 2017-12-30. Review status: no assertion criteria provided. Collection method: curation. Allele origin: unknown. Affected: yes. Not counted in ClinVar's aggregate classification.

OMIM
Classification: Pathogenic for KINDLER SYNDROME. Last evaluated: 2003-07-01. Review status: no assertion criteria provided. Collection method: literature only. Allele origin: germline. Not counted in ClinVar's aggregate classification.

GeneReviews
No classification provided. Condition: Kindler syndrome. Review status: no classification provided. Collection method: literature only. Allele origin: germline. Not counted in ClinVar's aggregate classification.
Comment: Common pathogenic variant

Literature cited by the submitters: PubMed 14962093 (cited by Labcorp Genetics (formerly Invitae), Labcorp); PubMed 21936020 (cited by Labcorp Genetics (formerly Invitae), Labcorp); PubMed 12789646 (cited by 3 submitters); PubMed 16702500 (cited by Labcorp Genetics (formerly Invitae), Labcorp and GeneReviews); PubMed 27862150 (cited by Labcorp Genetics (formerly Invitae), Labcorp); NCBI Bookshelf NBK349072 (cited by GeneReviews); PubMed 15313809 (cited by GeneReviews).